The following is an entry in ClinVar:

ClinVar aggregate classification (germline): Uncertain significance (1 of 4 stars; one submission).

Conditions:
Tietz syndrome (TADS). Also called: HYPOPIGMENTATION/DEAFNESS OF TIETZ; TIETZ ALBINISM-DEAFNESS SYNDROME; ALBINISM-DEAFNESS OF TIETZ. Identifiers: Orphanet 42665, MedGen C0391816, MONDO:0007077, OMIM 103500.
Waardenburg syndrome type 2A (WS2A). Also called: WAARDENBURG SYNDROME WITHOUT DYSTOPIA CANTHORUM. Identifiers: Orphanet 3440, MedGen C1860339, MONDO:0008671, OMIM 193510.
Melanoma, cutaneous malignant, susceptibility to, 8. Also called: MELANOMA AND RENAL CELL CARCINOMA, SUSCEPTIBILITY TO; Cutaneous malignant melanoma 8. Identifiers: Orphanet 293822, MedGen C3152204, MONDO:0013759, OMIM 614456.

gnomAD v4.1: 8 of 1,613,490 alleles (0.0005%); highest among the groups gnomAD compares: Non-Finnish European, 0.00068%; no homozygotes.

Submission:

Labcorp Genetics (formerly Invitae), Labcorp
Classification: Uncertain significance for Melanoma, cutaneous malignant, susceptibility to, 8; Waardenburg syndrome type 2A; Tietz syndrome. Last evaluated: 2024-11-24. Review status: criteria provided, single submitter. Criteria: Invitae Variant Classification Sherloc (09022015). Collection method: clinical testing. Allele origin: germline.
Comment: This sequence change replaces arginine, which is basic and polar, with cysteine, which is neutral and slightly polar, at codon 223 of the MITF protein (p.Arg223Cys). This variant is present in population databases (no rsID available, gnomAD 0.002%). This variant has not been reported in the literature in individuals affected with MITF-related conditions. Invitae Evidence Modeling of protein sequence and biophysical properties (such as structural, functional, and spatial information, amino acid conservation, physicochemical variation, residue mobility, and thermodynamic stability) indicates that this missense variant is expected to disrupt MITF protein function with a positive predictive value of 80%. In summary, the available evidence is currently insufficient to determine the role of this variant in disease. Therefore, it has been classified as a Variant of Uncertain Significance.

NM_001354604.2(MITF):c.988C>T (p.Arg330Cys)

Gene: MITF (melanocyte inducing transcription factor; plus strand). Cytogenetic location: 3p13.
Variant type: single nucleotide variant.
Coding change: c.988C>T on transcript NM_001354604.2 (MANE Select); coding-DNA position 988, C replaced by T.
Protein change: p.Arg330Cys; replaces arginine 330 with cysteine.
Molecular consequence: missense variant.
Genome position (GRCh38, 1-based): chr3:69,956,487, C>T. VCF-style: chr3-69956487-C-T. GRCh37 (hg19) VCF-style: chr3-70005638-C-T.
Other names: c.667C>T, p.Arg223Cys (NM_000248.4); c.814C>T, p.Arg272Cys (NM_001184967.2, NM_001354608.2); c.985C>T, p.Arg329Cys (NM_001354605.2); c.967C>T, p.Arg323Cys (NM_001354606.2, NM_006722.3); c.919C>T, p.Arg307Cys (NM_001354607.2); c.649C>T, p.Arg217Cys (NM_198158.3); c.970C>T, p.Arg324Cys (NM_198159.3); c.922C>T, p.Arg308Cys (NM_198177.3); and 1 more; short protein forms R161C, R217C, R223C, R272C, R307C, R308C, R323C, R324C.
Identifiers: ClinVar variation 3751558 (VCV003751558.2).
Genomic context (GRCh38, chr3:69,956,487, plus strand): 5'-TAGCCTTTCCTGTGCTCTTTTCTTGAAGTTGAACGAAGAAGAAGATTTAACATAAATGAC[C>T]GCATTAAAGAACTAGGTACTTTGATTCCCAAGTCAAATGATCCGTGAGTACAATCGCGTG-3'
Protein context (NP_001341533.1, residues 320-340): ERRRRFNIND[Arg330Cys]IKELGTLIPK